The following is an entry in ClinVar:

NM_002474.3(MYH11):c.3115C>G (p.Leu1039Val)

Gene: MYH11 (myosin heavy chain 11; minus strand). Cytogenetic location: 16p13.11.
Variant type: single nucleotide variant.
Coding change: c.3115C>G on transcript NM_002474.3 (MANE Select); coding-DNA position 3115, C replaced by G.
Protein change: p.Leu1039Val; replaces leucine 1039 with valine.
Molecular consequence: missense variant.
Genome position (GRCh38, 1-based): chr16:15,738,571, G>C on the plus strand (C>G on the coding strand, the complement: MYH11 is on the minus strand). VCF-style: chr16-15738571-G-C. GRCh37 (hg19) VCF-style: chr16-15832428-G-C.
Other names: c.3136C>G, p.Leu1046Val (NM_001040113.2, NM_001040114.2); c.3115C>G, p.Leu1039Val (NM_022844.3); short protein forms L1039V, L1046V.
Identifiers: ClinVar variation 633326 (VCV000633326.8), dbSNP rs1223757069, ClinGen allele CA394863573.

ClinVar aggregate classification (germline): Uncertain significance. Review status: criteria provided, multiple submitters, no conflicts (2 of 4 stars). 5 submissions from 5 submitters: Uncertain significance (5). Last evaluated 2025-06-29.

Conditions:
Familial thoracic aortic aneurysm and aortic dissection (TAAD). Also called: Thoracic aortic aneurysms and dissections. Identifiers: Orphanet 91387, MedGen C4707243, MONDO:0019625.
Aortic aneurysm, familial thoracic 4 (AAT4). Also called: AORTIC ANEURYSM/AORTIC DISSECTION AND PATENT DUCTUS ARTERIOSUS. Identifiers: MedGen C1851504, MONDO:0007568, OMIM 132900.

Allele frequency attached by ClinVar (database versions not stated): TOPMed 0.00001.

Submissions (5):

Color Diagnostics, LLC DBA Color Health
Classification: Uncertain significance for Familial thoracic aortic aneurysm and aortic dissection. Last evaluated: 2025-06-29. Review status: criteria provided, single submitter. Criteria: ACMG Guidelines, 2015. Collection method: clinical testing. Allele origin: germline.
Comment: This missense variant replaces leucine with valine at codon 1046 of the MYH11 protein. Computational prediction is inconclusive regarding the impact of this variant on protein structure and function. To our knowledge, functional studies have not been reported for this variant. This variant has not been reported in individuals affected with MYH11-related disorders in the literature. This variant has not been identified in the general population by the Genome Aggregation Database (gnomAD). The available evidence is insufficient to determine the role of this variant in disease conclusively. Therefore, this variant is classified as a Variant of Uncertain Significance.

Labcorp Genetics (formerly Invitae), Labcorp
Classification: Uncertain significance for Aortic aneurysm, familial thoracic 4. Last evaluated: 2024-02-06. Review status: criteria provided, single submitter. Criteria: Invitae Variant Classification Sherloc (09022015). Collection method: clinical testing. Allele origin: germline.
Comment: This sequence change replaces leucine, which is neutral and non-polar, with valine, which is neutral and non-polar, at codon 1046 of the MYH11 protein (p.Leu1046Val). This variant is not present in population databases (gnomAD no frequency). This variant has not been reported in the literature in individuals affected with MYH11-related conditions. ClinVar contains an entry for this variant (Variation ID: 633326). Advanced modeling of protein sequence and biophysical properties (such as structural, functional, and spatial information, amino acid conservation, physicochemical variation, residue mobility, and thermodynamic stability) performed at Invitae indicates that this missense variant is not expected to disrupt MYH11 protein function with a negative predictive value of 95%. In summary, the available evidence is currently insufficient to determine the role of this variant in disease. Therefore, it has been classified as a Variant of Uncertain Significance.

GeneDx
Classification: Uncertain significance. Last evaluated: 2023-02-23. Review status: criteria provided, single submitter. Criteria: GeneDx Variant Classification Process June 2021. Collection method: clinical testing. Allele origin: germline. Affected: yes.
Comment: Not observed at significant frequency in large population cohorts (gnomAD); In silico analysis supports that this missense variant has a deleterious effect on protein structure/function; Has not been previously published as pathogenic or benign to our knowledge

Ambry Genetics
Classification: Uncertain significance for Familial thoracic aortic aneurysm and aortic dissection. Last evaluated: 2018-06-26. Review status: criteria provided, single submitter. Criteria: Ambry Variant Classification Scheme 2023. Collection method: clinical testing. Allele origin: germline.
Comment: The p.L1039V variant (also known as c.3115C>G), located in coding exon 23 of the MYH11 gene, results from a C to G substitution at nucleotide position 3115. The leucine at codon 1039 is replaced by valine, an amino acid with highly similar properties, and is located in the coiled coil domain. This amino acid position is highly conserved in available vertebrate species. In addition, the in silico prediction for this alteration is inconclusive. Since supporting evidence is limited at this time, the clinical significance of this alteration remains unclear.

Women's Health and Genetics/Laboratory Corporation of America, LabCorp
Classification: Uncertain significance. Last evaluated: 2017-10-02. Review status: criteria provided, single submitter. Criteria: LabCorp Variant Classification Summary - May 2015. Collection method: clinical testing. Allele origin: germline.
Comment: Variant summary: The MYH11 c.3136C>G (p.Leu1046Val) variant involves the alteration of a conserved nucleotide. 2/4 in silico tools predict a benign outcome for this variant (SNPsandGO not captured due to low reliability index). This variant is absent in 121388 control chromosomes in ExAC. The variant of interest has not, to our knowledge, been reported in affected individuals via publications and/or reputable databases/clinical diagnostic laboratories; nor evaluated for functional impact by in vivo/vitro studies. Because of the absence of clinical information and the lack of functional studies, the variant is classified as a variant of uncertain significance (VUS) until additional information becomes available.